The following is an entry in ClinVar:

NM_147686.4(TRAF3IP2):c.7C>T (p.Arg3Ter)

Genes: TRAF3IP2 (TRAF3 interacting protein 2; minus strand), TRAF3IP2-AS1 (TRAF3IP2 antisense RNA 1; plus strand). Cytogenetic location: 6q21.
Variant type: single nucleotide variant.
Coding change: c.7C>T on transcript NM_147686.4 (MANE Select); coding-DNA position 7, C replaced by T.
Protein change: p.Arg3Ter; replaces arginine 3 with a stop codon.
Molecular consequence: nonsense.
Genome position (GRCh38, 1-based): chr6:111,592,080, G>A on the plus strand (C>T on the coding strand, the complement: TRAF3IP2 is on the minus strand). VCF-style: chr6-111592080-G-A. GRCh37 (hg19) VCF-style: chr6-111913283-G-A.
Other names: c.7C>T, p.Arg3Ter (NM_001164281.3); c.34C>T, p.Arg12Ter (NM_147200.3); short protein forms R12*, R3*.
Identifiers: ClinVar variation 2414357 (VCV002414357.7), dbSNP rs557983485, ClinGen allele CA3963397.

ClinVar aggregate classification (germline): Conflicting classifications of pathogenicity. Review status: criteria provided, conflicting classifications (1 of 4 stars). 2 submissions from 2 submitters: Pathogenic (1); Uncertain significance (1). Last evaluated 2025-09-02.

Conditions:
Candidiasis, familial, 8 (CANDF8). Identifiers: Orphanet 1334, MedGen C3714992, MONDO:0014230, OMIM 615527.

Allele frequency attached by ClinVar (database versions not stated): 1000 Genomes Project 30x 0.00016; 1000 Genomes Project 0.00020.
gnomAD v4.1: 25 of 1,612,578 alleles (0.0016%); highest among the groups gnomAD compares: East Asian, 0.0022%; no homozygotes.

Submissions (2):

Labcorp Genetics (formerly Invitae), Labcorp
Classification: Pathogenic for Candidiasis, familial, 8. Last evaluated: 2025-09-02. Review status: criteria provided, single submitter. Criteria: Invitae Variant Classification Sherloc (09022015). Collection method: clinical testing. Allele origin: germline.
Comment: This sequence change creates a premature translational stop signal (p.Arg3*) in the TRAF3IP2 gene. It is expected to result in an absent or disrupted protein product. Loss-of-function variants in TRAF3IP2 are known to be pathogenic (PMID: 24120361). This variant is present in population databases (rs557983485, gnomAD 0.006%). This variant has not been reported in the literature in individuals affected with TRAF3IP2-related conditions. ClinVar contains an entry for this variant (Variation ID: 2414357). For these reasons, this variant has been classified as Pathogenic.

Blueprint Genetics
Classification: Uncertain significance. Last evaluated: 2021-06-04. Review status: criteria provided, single submitter. Criteria: ACMG Guidelines, 2015. Collection method: clinical testing. Allele origin: germline.

Literature cited by the submitters: PubMed 24120361 (cited by Labcorp Genetics (formerly Invitae), Labcorp).